The following is an entry in ClinVar:

ClinVar aggregate classification (germline): Uncertain significance (1 of 4 stars; one submission).

Conditions:
Glycogen storage disease IXb (GSD9B). Also called: GLYCOGENOSIS OF LIVER AND MUSCLE, AUTOSOMAL RECESSIVE; GSD IXb; PHOSPHORYLASE KINASE DEFICIENCY OF LIVER AND MUSCLE, AUTOSOMAL RECESSIVE. Identifiers: Orphanet 79240, MedGen C0543514, MONDO:0009868, OMIM 261750.

Allele frequency attached by ClinVar (database versions not stated): gnomAD exomes below 0.00001; gnomAD 0.00001.
gnomAD v4.1: 2 of 1,542,966 alleles (0.00013%); highest among the groups gnomAD compares: South Asian, 0.0011%; no homozygotes.

Submission:

Labcorp Genetics (formerly Invitae), Labcorp
Classification: Uncertain significance for Glycogen storage disease IXb. Last evaluated: 2023-10-18. Review status: criteria provided, single submitter. Criteria: Invitae Variant Classification Sherloc (09022015). Collection method: clinical testing. Allele origin: germline.
Comment: This sequence change replaces histidine, which is basic and polar, with tyrosine, which is neutral and polar, at codon 169 of the PHKB protein (p.His169Tyr). This variant is not present in population databases (gnomAD no frequency). This variant has not been reported in the literature in individuals affected with PHKB-related conditions. An algorithm developed to predict the effect of missense changes on protein structure and function (PolyPhen-2) suggests that this variant is likely to be disruptive. In summary, the available evidence is currently insufficient to determine the role of this variant in disease. Therefore, it has been classified as a Variant of Uncertain Significance.

NM_000293.3(PHKB):c.505C>T (p.His169Tyr)

Gene: PHKB (phosphorylase kinase regulatory subunit beta; plus strand). Cytogenetic location: 16q12.1.
Variant type: single nucleotide variant.
Coding change: c.505C>T on transcript NM_000293.3 (MANE Select); coding-DNA position 505, C replaced by T.
Protein change: p.His169Tyr; replaces histidine 169 with tyrosine.
Molecular consequence: missense variant.
Genome position (GRCh38, 1-based): chr16:47,511,764, C>T. VCF-style: chr16-47511764-C-T. GRCh37 (hg19) VCF-style: chr16-47545675-C-T.
Other names: c.484C>T, p.His162Tyr (NM_001031835.3); c.505C>T, p.His169Tyr (NM_001363837.1); short protein forms H162Y, H169Y.
Identifiers: ClinVar variation 3018888 (VCV003018888.3), dbSNP rs2151649556, ClinGen allele CA396099534.